The following is an entry in ClinVar:

NM_001605.3(AARS1):c.1785+4A>G

Gene: AARS1 (alanyl-tRNA synthetase 1; minus strand). Cytogenetic location: 16q22.1.
Variant type: single nucleotide variant.
Coding change: c.1785+4A>G on transcript NM_001605.3 (MANE Select); 4 bases into the intron after coding-DNA position 1785, A replaced by G.
Molecular consequence: intron variant.
Genome position (GRCh38, 1-based): chr16:70,261,040, T>C on the plus strand (A>G on the coding strand, the complement: AARS1 is on the minus strand). VCF-style: chr16-70261040-T-C. GRCh37 (hg19) VCF-style: chr16-70294943-T-C.
Identifiers: ClinVar variation 1682201 (VCV001682201.6), dbSNP rs2152155700, ClinGen allele CA2573152535.
Genomic context (GRCh38, chr16:70,261,040, plus strand): 5'-TTAAAGCCAGAGGAGAAGATAATTACTAACCAGATCCAATGGGGGCCACAGTAACCCAAC[T>C]CACCTCATCAATAAACAGCCAGACCTGATCCCCCACTTTCAGGTCACCGTAGATGGTTCC-3'

ClinVar aggregate classification (germline): Uncertain significance (1 of 4 stars; one submission).

Conditions:
Charcot-Marie-Tooth disease type 2. Also called: Charcot-Marie-Tooth type 2. Identifiers: Orphanet 64746, MedGen C0270914, MONDO:0018993.

gnomAD v4.1: 1 of 1,609,226 alleles (0.000062%); highest among the groups gnomAD compares: African/African-American, 0.0013%; no homozygotes.

Submission:

Labcorp Genetics (formerly Invitae), Labcorp
Classification: Uncertain significance for Charcot-Marie-Tooth disease type 2. Last evaluated: 2021-03-25. Review status: criteria provided, single submitter. Criteria: Invitae Variant Classification Sherloc (09022015). Collection method: clinical testing. Allele origin: germline.
Comment: In summary, the available evidence is currently insufficient to determine the role of this variant in disease. Therefore, it has been classified as a Variant of Uncertain Significance. Nucleotide substitutions within the consensus splice site are a relatively common cause of aberrant splicing (PMID: 17576681, 9536098). Algorithms developed to predict the effect of sequence changes on RNA splicing suggest that this variant may disrupt the consensus splice site, but this prediction has not been confirmed by published transcriptional studies. This variant has not been reported in the literature in individuals with AARS-related conditions. This variant is not present in population databases (ExAC no frequency). This sequence change falls in intron 13 of the AARS gene. It does not directly change the encoded amino acid sequence of the AARS protein. It affects a nucleotide within the consensus splice site of the intron.

Literature cited by the submitters: PubMed 17576681; PubMed 9536098.